The following is an entry in ClinVar:

ClinVar aggregate classification (germline): Benign. Review status: criteria provided, multiple submitters, no conflicts (2 of 4 stars). 4 submissions from 4 submitters: Benign (3). 1 of the submissions does not count toward it. Last evaluated 2025-04-09.

Conditions:
NRAP-related disorder. Also called: NRAP-related condition.

Allele frequency attached by ClinVar (database versions not stated): gnomAD exomes 0.26590 and 0.27503; ExAC 0.27670; 1000 Genomes Project 0.30811; 1000 Genomes Project 30x 0.31277; gnomAD 0.32002 and 0.32564; TOPMed 0.32084; ESP Exome Variant Server 0.33520.
gnomAD v4.1: 431,626 of 1,589,464 alleles (27%); highest among the groups gnomAD compares: African/African-American, 46%; 61,251 homozygotes.

Submissions (4):

Molecular Diagnostic Laboratory for Inherited Cardiovascular Disease, Montreal Heart Institute
Classification: Benign. Last evaluated: 2025-04-09. Review status: criteria provided, single submitter. Criteria: ACMG Guidelines, 2015. Collection method: clinical testing. Allele origin: germline. Affected: no.

GeneDx
Classification: Benign. Last evaluated: 2021-05-04. Review status: criteria provided, single submitter. Criteria: GeneDx Variant Classification Process June 2021. Collection method: clinical testing. Allele origin: germline. Affected: yes.

Breakthrough Genomics
Classification: Benign. Review status: criteria provided, single submitter. Criteria: ACMG Guidelines, 2015. Collection method: not provided. Allele origin: germline. Inheritance: Unknown mechanism. Affected: yes.

PreventionGenetics, part of Exact Sciences
Classification: Benign for NRAP-related condition. Last evaluated: 2019-10-22. Review status: no assertion criteria provided. Collection method: clinical testing. Allele origin: germline. Not counted in ClinVar's aggregate classification.
Comment: This variant is classified as benign based on ACMG/AMP sequence variant interpretation guidelines (Richards et al. 2015 PMID: 25741868, with internal and published modifications).

NM_198060.4(NRAP):c.471T>C (p.Tyr157=)

Gene: NRAP (nebulin related anchoring protein; minus strand). Cytogenetic location: 10q25.3.
Variant type: single nucleotide variant.
Coding change: c.471T>C on transcript NM_198060.4 (MANE Select); coding-DNA position 471, T replaced by C.
Protein change: p.Tyr157=; no amino-acid change (tyrosine 157 retained).
Molecular consequence: synonymous variant.
Genome position (GRCh38, 1-based): chr10:113,653,034, A>G on the plus strand (T>C on the coding strand, the complement: NRAP is on the minus strand). VCF-style: chr10-113653034-A-G. GRCh37 (hg19) VCF-style: chr10-115412793-A-G.
Other names: c.471T>C, p.Tyr157= (NM_001261463.2, NM_001322945.2, NM_006175.5).
Identifiers: ClinVar variation 1233453 (VCV001233453.7), dbSNP rs3737322, ClinGen allele CA5695922.